The following is an entry in ClinVar:

NM_000041.4(APOE):c.44-7C>T

Gene: APOE (apolipoprotein E; plus strand). Cytogenetic location: 19q13.32.
Variant type: single nucleotide variant.
Coding change: c.44-7C>T on transcript NM_000041.4 (MANE Select); 7 bases into the intron before coding-DNA position 44, C replaced by T.
Molecular consequence: intron variant.
Genome position (GRCh38, 1-based): chr19:44,907,753, C>T. VCF-style: chr19-44907753-C-T. GRCh37 (hg19) VCF-style: chr19-45411010-C-T.
Other names: c.122-7C>T (NM_001302688.2); c.44-7C>T (NM_001302691.2, NM_001302689.2, NM_001302690.2).
Identifiers: ClinVar variation 4540614 (VCV004540614.1).
Genomic context (GRCh38, chr19:44,907,753, plus strand): 5'-CCCTAGGTACTAGATGCCTGGACGGGGTCAGAAGGACCCTGACCCACCTTGAACTTGTTC[C>T]ACACAGGATGCCAGGCCAAGGTGGAGCAAGCGGTGGAGACAGAGCCGGAGCCCGAGCTGC-3'

ClinVar aggregate classification (germline): Uncertain significance (1 of 4 stars; one submission).

Conditions:
Familial hypercholesterolemia. Also called: Familial hypercholesterolaemia. Identifiers: MedGen C0020445, MONDO:0005439.

Submission:

Cambridge Genomics Laboratory, East Genomic Laboratory Hub, NHS Genomic Medicine Service
Classification: Uncertain significance for Familial hypercholesterolaemia. Last evaluated: 2025-11-03. Review status: criteria provided, single submitter. Criteria: ACGS Best Practice Guidelines for Variant Classification in Rare Disease 2020. Collection method: clinical testing. Allele origin: germline. Affected: yes.
Comment: BP4